The following is an entry in ClinVar:

NM_001365308.1(BMPER):c.904A>C (p.Lys302Gln)

Gene: BMPER (BMP binding endothelial regulator; plus strand). Cytogenetic location: 7p14.3.
Variant type: single nucleotide variant.
Coding change: c.904A>C on transcript NM_001365308.1 (MANE Select); coding-DNA position 904, A replaced by C.
Protein change: p.Lys302Gln; replaces lysine 302 with glutamine.
Molecular consequence: missense variant.
Genome position (GRCh38, 1-based): chr7:34,055,280, A>C. VCF-style: chr7-34055280-A-C. GRCh37 (hg19) VCF-style: chr7-34094892-A-C.
Other names: c.904A>C, p.Lys302Gln (NM_133468.5); short protein forms K302Q.
Identifiers: ClinVar variation 1522253 (VCV001522253.6), dbSNP rs555635258, ClinGen allele CA4215219.
Genomic context (GRCh38, chr7:34,055,280, plus strand): 5'-CAGGAGGGCTGTTGTGAAGAGTGCCTCCTACGAGTGCCCCCAGAAGACATCAAAGTATGC[A>C]AATTTGGCAACAAGATTTTCCAGGTATGTCATGAGACAAGCACATGGGAACTCCTGTATT-3'
Protein context (NP_001352237.1, residues 292-312): RVPPEDIKVC[Lys302Gln]FGNKIFQDGE

ClinVar aggregate classification (germline): Uncertain significance (1 of 4 stars; one submission).

Allele frequency attached by ClinVar (database versions not stated): 1000 Genomes Project 30x 0.00016; 1000 Genomes Project 0.00020.
gnomAD v4.1: 21 of 1,614,150 alleles (0.0013%); highest among the groups gnomAD compares: African/African-American, 0.027%; no homozygotes.

Submission:

Labcorp Genetics (formerly Invitae), Labcorp
Classification: Uncertain significance. Last evaluated: 2021-07-17. Review status: criteria provided, single submitter. Criteria: Invitae Variant Classification Sherloc (09022015). Collection method: clinical testing. Allele origin: germline.
Comment: This variant has not been reported in the literature in individuals affected with BMPER-related conditions. In summary, the available evidence is currently insufficient to determine the role of this variant in disease. Therefore, it has been classified as a Variant of Uncertain Significance. Algorithms developed to predict the effect of missense changes on protein structure and function are either unavailable or do not agree on the potential impact of this missense change (SIFT: "Deleterious"; PolyPhen-2: "Benign"; Align-GVGD: "Class C0"). This variant is present in population databases (rs555635258, ExAC 0.04%). This sequence change replaces lysine with glutamine at codon 302 of the BMPER protein (p.Lys302Gln). The lysine residue is highly conserved and there is a small physicochemical difference between lysine and glutamine.